The following is an entry in ClinVar:

NM_006019.4(TCIRG1):c.82C>G (p.Arg28Gly)

Gene: TCIRG1 (T cell immune regulator 1, ATPase H+ transporting V0 subunit a3; plus strand). Cytogenetic location: 11q13.2.
Variant type: single nucleotide variant.
Coding change: c.82C>G on transcript NM_006019.4 (MANE Select); coding-DNA position 82, C replaced by G.
Protein change: p.Arg28Gly; replaces arginine 28 with glycine.
Molecular consequence: missense variant. On other transcripts: 5 prime UTR variant (1).
Genome position (GRCh38, 1-based): chr11:68,041,353, C>G. VCF-style: chr11-68041353-C-G. GRCh37 (hg19) VCF-style: chr11-67808820-C-G.
Other names: c.-1168C>G (NM_001351059.2); short protein forms R28G.
Identifiers: ClinVar variation 2162498 (VCV002162498.2), dbSNP rs139397145, ClinGen allele CA6146630.

ClinVar aggregate classification (germline): Uncertain significance (1 of 4 stars; one submission).

gnomAD v4.1: 43 of 1,612,850 alleles (0.0027%); highest among the groups gnomAD compares: Non-Finnish European, 0.0036%; no homozygotes.

Submission:

Labcorp Genetics (formerly Invitae), Labcorp
Classification: Uncertain significance. Last evaluated: 2025-07-27. Review status: criteria provided, single submitter. Criteria: Invitae Variant Classification Sherloc (09022015). Collection method: clinical testing. Allele origin: germline.
Comment: This sequence change replaces arginine, which is basic and polar, with glycine, which is neutral and non-polar, at codon 28 of the TCIRG1 protein (p.Arg28Gly). This variant is present in population databases (rs139397145, gnomAD 0.005%). This variant has not been reported in the literature in individuals affected with TCIRG1-related conditions. ClinVar contains an entry for this variant (Variation ID: 2162498). Invitae Evidence Modeling of protein sequence and biophysical properties (such as structural, functional, and spatial information, amino acid conservation, physicochemical variation, residue mobility, and thermodynamic stability) indicates that this missense variant is expected to disrupt TCIRG1 protein function with a positive predictive value of 80%. Algorithms developed to predict the effect of sequence changes on RNA splicing suggest that this variant may create or strengthen a splice site. In summary, the available evidence is currently insufficient to determine the role of this variant in disease. Therefore, it has been classified as a Variant of Uncertain Significance.